The following is an entry in ClinVar:

NM_006231.4(POLE):c.3469C>T (p.Pro1157Ser)

Gene: POLE (DNA polymerase epsilon, catalytic subunit; minus strand). Cytogenetic location: 12q24.33.
Variant type: single nucleotide variant.
Coding change: c.3469C>T on transcript NM_006231.4 (MANE Select); coding-DNA position 3469, C replaced by T.
Protein change: p.Pro1157Ser; replaces proline 1157 with serine.
Molecular consequence: missense variant.
Genome position (GRCh38, 1-based): chr12:132,657,249, G>A on the plus strand (C>T on the coding strand, the complement: POLE is on the minus strand). VCF-style: chr12-132657249-G-A. GRCh37 (hg19) VCF-style: chr12-133233835-G-A.
Other names: c.3469C>T (NM_006231.2); short protein forms P1157S.
Identifiers: ClinVar variation 944688 (VCV000944688.9), dbSNP rs1593766098, ClinGen allele CA387388797.

ClinVar aggregate classification (germline): Uncertain significance. Review status: criteria provided, multiple submitters, no conflicts (2 of 4 stars). 2 submissions from 2 submitters: Uncertain significance (2). Last evaluated 2026-07-19.

Conditions:
Hereditary cancer-predisposing syndrome. Also called: Neoplastic Syndromes, Hereditary; Hereditary Cancer Syndrome; Tumor predisposition; Hereditary neoplastic syndrome. Identifiers: Orphanet 140162, MedGen C0027672, MeSH D009386, MONDO:0015356.

Allele frequency attached by ClinVar (database versions not stated): TOPMed 0.00002.

Submissions (2):

Ambry Genetics
Classification: Uncertain significance for Hereditary cancer-predisposing syndrome. Last evaluated: 2026-07-19. Review status: criteria provided, single submitter. Criteria: Ambry Variant Classification Scheme 2023. Collection method: clinical testing. Allele origin: germline.

Labcorp Genetics (formerly Invitae), Labcorp
Classification: Uncertain significance. Last evaluated: 2024-05-21. Review status: criteria provided, single submitter. Criteria: Invitae Variant Classification Sherloc (09022015). Collection method: clinical testing. Allele origin: germline.
Comment: This sequence change replaces proline, which is neutral and non-polar, with serine, which is neutral and polar, at codon 1157 of the POLE protein (p.Pro1157Ser). This variant is not present in population databases (gnomAD no frequency). This variant has not been reported in the literature in individuals affected with POLE-related conditions. ClinVar contains an entry for this variant (Variation ID: 944688). Advanced modeling of protein sequence and biophysical properties (such as structural, functional, and spatial information, amino acid conservation, physicochemical variation, residue mobility, and thermodynamic stability) performed at Invitae indicates that this missense variant is expected to disrupt POLE protein function with a positive predictive value of 80%. In summary, the available evidence is currently insufficient to determine the role of this variant in disease. Therefore, it has been classified as a Variant of Uncertain Significance.